The following is an entry in ClinVar:

NM_000268.4(NF2):c.32T>G (p.Phe11Cys)

Gene: NF2 (NF2, moesin-ezrin-radixin like (MERLIN) tumor suppressor; plus strand). Cytogenetic location: 22q12.2.
Variant type: single nucleotide variant.
Coding change: c.32T>G on transcript NM_000268.4 (MANE Select); coding-DNA position 32, T replaced by G.
Protein change: p.Phe11Cys; replaces phenylalanine 11 with cysteine.
Molecular consequence: missense variant. On other transcripts: non-coding transcript variant (1).
Genome position (GRCh38, 1-based): chr22:29,604,030, T>G. VCF-style: chr22-29604030-T-G. GRCh37 (hg19) VCF-style: chr22-30000019-T-G.
Other names: c.32T>G, p.Phe11Cys (NM_016418.5, NM_181825.3, NM_181828.3 and 5 more transcripts); c.32T>G (NM_000268.3); short protein forms F11C.
Identifiers: ClinVar variation 1034701 (VCV001034701.10), dbSNP rs2064714417, ClinGen allele CA411145860.

ClinVar aggregate classification (germline): Uncertain significance. Review status: criteria provided, multiple submitters, no conflicts (2 of 4 stars). 2 submissions from 2 submitters: Uncertain significance (2). Last evaluated 2025-10-06.

Conditions:
Neurofibromatosis, type 2 (SWNV). Also called: BILATERAL ACOUSTIC NEUROFIBROMATOSIS; NF2-Related Schwannomatosis; SCHWANNOMATOSIS, VESTIBULAR. Identifiers: Orphanet 637, MedGen C0027832, MONDO:0007039, OMIM 101000. Disease mechanism: loss of function.
Hereditary cancer-predisposing syndrome. Also called: Neoplastic Syndromes, Hereditary; Hereditary Cancer Syndrome; Hereditary neoplastic syndrome; Tumor predisposition. Identifiers: Orphanet 140162, MedGen C0027672, MeSH D009386, MONDO:0015356.

Allele frequency attached by ClinVar (database versions not stated): TOPMed below 0.00001.

Submissions (2):

Labcorp Genetics (formerly Invitae), Labcorp
Classification: Uncertain significance for Neurofibromatosis, type 2. Last evaluated: 2025-10-06. Review status: criteria provided, single submitter. Criteria: Invitae Variant Classification Sherloc (09022015). Collection method: clinical testing. Allele origin: germline.
Comment: This sequence change replaces phenylalanine, which is neutral and non-polar, with cysteine, which is neutral and slightly polar, at codon 11 of the NF2 protein (p.Phe11Cys). This variant is not present in population databases (gnomAD no frequency). This variant has not been reported in the literature in individuals affected with NF2-related conditions. ClinVar contains an entry for this variant (Variation ID: 1034701). An algorithm developed to predict the effect of missense changes on protein structure and function (PolyPhen-2) suggests that this variant is likely to be disruptive. In summary, the available evidence is currently insufficient to determine the role of this variant in disease. Therefore, it has been classified as a Variant of Uncertain Significance.

Ambry Genetics
Classification: Uncertain significance for Hereditary cancer-predisposing syndrome. Last evaluated: 2025-09-06. Review status: criteria provided, single submitter. Criteria: Ambry Variant Classification Scheme 2023. Collection method: clinical testing. Allele origin: germline.
Comment: The p.F11C variant (also known as c.32T>G), located in coding exon 1 of the NF2 gene, results from a T to G substitution at nucleotide position 32. The phenylalanine at codon 11 is replaced by cysteine, an amino acid with highly dissimilar properties. This amino acid position is conserved. In addition, this alteration is predicted to be deleterious by in silico analysis. Based on the available evidence, the clinical significance of this variant remains unclear.